The following is an entry in ClinVar:

ClinVar aggregate classification (germline): Pathogenic (1 of 4 stars; one submission).

Conditions:
Familial cancer of breast. Also called: hereditary breast carcinoma; BREAST CANCER, FAMILIAL; Hereditary breast cancer. Identifiers: Orphanet 227535, MedGen C0346153, MONDO:0016419, OMIM 114480. Disease mechanism: loss of function.

Submission:

Myriad Genetics, Inc.
Classification: Pathogenic for Familial cancer of breast. Last evaluated: 2024-02-02. Review status: criteria provided, single submitter. Criteria: Myriad Autosomal Dominant, Autosomal Recessive and X-Linked Classification Criteria (2023). Collection method: clinical testing. Allele origin: unknown.
Comment: This variant is considered pathogenic. This variant creates a frameshift predicted to result in premature protein truncation.

NM_000051.4(ATM):c.8517_8518del (p.Leu2840fs)

Genes: ATM (ATM serine/threonine kinase; plus strand), C11orf65 (chromosome 11 open reading frame 65; minus strand). Cytogenetic location: 11q22.3.
Variant type: Deletion.
Coding change: c.8517_8518del on transcript NM_000051.4 (MANE Select); coding-DNA positions 8517 to 8518, 2 bases deleted (CT; older notation c.8517_8518delCT).
Protein change: p.Leu2840fs; shifts the reading frame from leucine 2840.
Molecular consequence: frameshift variant. On other transcripts: intron variant (2).
Genome position (GRCh38, 1-based): chr11:108,345,841-108,345,842, CT deleted; deleting any 2 consecutive bases within chr11:108,345,840-108,345,842 gives the same sequence; the c. name uses the placement nearest the transcript's 3' end. VCF-style (leftmost placement, unchanged base first): chr11-108345839-TTC-T. GRCh37 (hg19) VCF-style: chr11-108216566-TTC-T.
Other names: c.8517_8518del, p.Leu2840fs (NM_001351834.2); c.641-36770_641-36769del (NM_001330368.2); c.695-10549_695-10548del (NM_001351110.2); short protein forms L2840fs.
Identifiers: ClinVar variation 3148522 (VCV003148522.1), dbSNP rs2547444678, ClinGen allele CA2825001981.
Genomic context (GRCh38, chr11:108,345,839, plus strand): 5'-GTCTTCATGGATGTTTGCCAAAATTTTCAACCAGTTTTCCGTTACTTCTGCATGGAAAAA[TTC>T]TTGGATCCAGCTATTTGGTTTGAGAAGCGATTGGCTTATACGCGCAGTGTAGCTACTTCT-3'